The following is an entry in ClinVar:

NM_177550.5(SLC13A5):c.156A>G (p.Glu52=)

Gene: SLC13A5 (solute carrier family 13 member 5; minus strand). Cytogenetic location: 17p13.1.
Variant type: single nucleotide variant.
Coding change: c.156A>G on transcript NM_177550.5 (MANE Select); coding-DNA position 156, A replaced by G.
Protein change: p.Glu52=; no amino-acid change (glutamic acid 52 retained).
Molecular consequence: synonymous variant. On other transcripts: intron variant (1).
Genome position (GRCh38, 1-based): chr17:6,707,103, T>C on the plus strand (A>G on the coding strand, the complement: SLC13A5 is on the minus strand). VCF-style: chr17-6707103-T-C. GRCh37 (hg19) VCF-style: chr17-6610422-T-C.
Other names: c.156A>G, p.Glu52= (NM_001143838.3, NM_001284509.2); c.103-325A>G (NM_001284510.2).
Identifiers: ClinVar variation 2647315 (VCV002647315.24), dbSNP rs2544648508, ClinGen allele CA497596808.

ClinVar aggregate classification (germline): Likely benign (1 of 4 stars; one submission).

Submission:

CeGaT Center for Human Genetics Tuebingen
Classification: Likely benign. Last evaluated: 2022-05-01. Review status: criteria provided, single submitter. Criteria: CeGaT Center For Human Genetics Tuebingen Variant Classification Criteria Version 2. Collection method: clinical testing. Allele origin: germline. Affected: yes. Observed: 1 variant allele.
Comment: SLC13A5: PM2:Supporting, BP4, BP7